The following is an entry in ClinVar:

ClinVar aggregate classification (germline): Uncertain significance (1 of 4 stars; one submission).

Conditions:
Cardiovascular phenotype. Identifiers: MedGen CN230736.

gnomAD v4.1: 2 of 1,614,096 alleles (0.00012%); highest among the groups gnomAD compares: South Asian, 0.0011%; no homozygotes.

Submission:

Ambry Genetics
Classification: Uncertain significance for Cardiovascular phenotype. Last evaluated: 2025-05-06. Review status: criteria provided, single submitter. Criteria: Ambry Variant Classification Scheme 2023. Collection method: clinical testing. Allele origin: germline.
Comment: The p.M348T variant (also known as c.1043T>C), located in coding exon 9 of the EFEMP2 gene, results from a T to C substitution at nucleotide position 1043. The methionine at codon 348 is replaced by threonine, an amino acid with similar properties. This amino acid position is conserved. In addition, this alteration is predicted to be deleterious by in silico analysis. Based on the available evidence, the clinical significance of this variant remains unclear.

NM_016938.5(EFEMP2):c.1043T>C (p.Met348Thr)

Gene: EFEMP2 (EGF containing fibulin extracellular matrix protein 2; minus strand). Cytogenetic location: 11q13.1.
Variant type: single nucleotide variant.
Coding change: c.1043T>C on transcript NM_016938.5 (MANE Select); coding-DNA position 1043, T replaced by C.
Protein change: p.Met348Thr; replaces methionine 348 with threonine.
Molecular consequence: missense variant. On other transcripts: non-coding transcript variant (1).
Genome position (GRCh38, 1-based): chr11:65,867,988, A>G on the plus strand (T>C on the coding strand, the complement: EFEMP2 is on the minus strand). VCF-style: chr11-65867988-A-G. GRCh37 (hg19) VCF-style: chr11-65635459-A-G.
Other names: short protein forms M348T.
Identifiers: ClinVar variation 4016519 (VCV004016519.1).